The following is an entry in ClinVar:

NM_004535.3(MYT1):c.1866C>T (p.Asp622=)

Gene: MYT1 (myelin transcription factor 1; plus strand). Cytogenetic location: 20q13.33.
Variant type: single nucleotide variant.
Coding change: c.1866C>T on transcript NM_004535.3 (MANE Select); coding-DNA position 1866, C replaced by T.
Protein change: p.Asp622=; no amino-acid change (aspartic acid 622 retained).
Molecular consequence: synonymous variant.
Genome position (GRCh38, 1-based): chr20:64,218,930, C>T. VCF-style: chr20-64218930-C-T. GRCh37 (hg19) VCF-style: chr20-62850283-C-T.
Identifiers: ClinVar variation 3053787 (VCV003053787.3), dbSNP rs61747595, ClinGen allele CA9975015.

ClinVar aggregate classification (germline): Likely benign. Review status: criteria provided, single submitter (1 of 4 stars). 2 submissions from 2 submitters: Likely benign (1). 1 of the submissions does not count toward it. Last evaluated 2024-05-03.

Conditions:
MYT1-related disorder. Also called: MYT1-related condition.

Allele frequency attached by ClinVar (database versions not stated): gnomAD exomes 0.00018; ExAC 0.00048; gnomAD 0.00158; ESP Exome Variant Server 0.00169; TOPMed 0.00175; 1000 Genomes Project 0.00200; 1000 Genomes Project 30x 0.00219.
gnomAD v4.1: 528 of 1,613,660 alleles (0.033%); highest among the groups gnomAD compares: African/African-American, 0.5%; 1 homozygote.

Submissions (2):

Blueprint Genetics
Classification: Likely benign. Last evaluated: 2024-05-03. Review status: criteria provided, single submitter. Criteria: ACMG Guidelines, 2015. Collection method: clinical testing. Allele origin: germline.

PreventionGenetics, part of Exact Sciences
Classification: Likely benign for MYT1-related condition. Last evaluated: 2019-08-27. Review status: no assertion criteria provided. Collection method: clinical testing. Allele origin: germline. Not counted in ClinVar's aggregate classification.
Comment: This variant is classified as likely benign based on ACMG/AMP sequence variant interpretation guidelines (Richards et al. 2015 PMID: 25741868, with internal and published modifications).